The following is an entry in ClinVar:

NM_001853.4(COL9A3):c.1933G>A (p.Gly645Arg)

Gene: COL9A3 (collagen type IX alpha 3 chain; plus strand). Cytogenetic location: 20q13.33.
Variant type: single nucleotide variant.
Coding change: c.1933G>A on transcript NM_001853.4 (MANE Select); coding-DNA position 1933, G replaced by A.
Protein change: p.Gly645Arg; replaces glycine 645 with arginine.
Molecular consequence: missense variant.
Genome position (GRCh38, 1-based): chr20:62,840,610, G>A. VCF-style: chr20-62840610-G-A. GRCh37 (hg19) VCF-style: chr20-61471962-G-A.
Other names: c.1933G>A (NM_001853.3); short protein forms G645R.
Identifiers: ClinVar variation 3688153 (VCV003688153.4).

ClinVar aggregate classification (germline): Uncertain significance. Review status: criteria provided, multiple submitters, no conflicts (2 of 4 stars). 2 submissions from 2 submitters: Uncertain significance (2). Last evaluated 2024-06-27.

Conditions:
Multiple epiphyseal dysplasia and pseudoachondroplasia. Identifiers: Orphanet 93429, MedGen C5681609, MONDO:0019692.
Epiphyseal dysplasia, multiple, 3 (EDM3). Also called: COL9A3-Related Multiple Epiphyseal Dysplasia; Epiphyseal dysplasia, multiple, 3, with or without myopathy. Identifiers: MedGen C1832998, MONDO:0010964, OMIM 600969.
Stickler syndrome, type 6. Also called: Stickler syndrome, type VI; Stickler syndrome, IIa 6. Identifiers: MedGen C5774207, MONDO:0031047, OMIM 620022.

gnomAD v4.1: 16 of 1,613,198 alleles (0.00099%); highest among the groups gnomAD compares: South Asian, 0.0022%; no homozygotes.

Submissions (2):

Labcorp Genetics (formerly Invitae), Labcorp
Classification: Uncertain significance. Last evaluated: 2024-06-27. Review status: criteria provided, single submitter. Criteria: Invitae Variant Classification Sherloc (09022015). Collection method: clinical testing. Allele origin: germline.
Comment: This sequence change replaces glycine, which is neutral and non-polar, with arginine, which is basic and polar, at codon 645 of the COL9A3 protein (p.Gly645Arg). The frequency data for this variant in the population databases is considered unreliable, as metrics indicate poor data quality at this position in the gnomAD database. This missense change has been observed in individual(s) with clinical features of Stickler syndrome (Invitae). Advanced modeling of protein sequence and biophysical properties (such as structural, functional, and spatial information, amino acid conservation, physicochemical variation, residue mobility, and thermodynamic stability) performed at Invitae indicates that this missense variant is expected to disrupt COL9A3 protein function with a positive predictive value of 95%. In summary, the available evidence is currently insufficient to determine the role of this variant in disease. Therefore, it has been classified as a Variant of Uncertain Significance.

Blueprint Genetics
Classification: Uncertain significance. Last evaluated: 2022-01-13. Review status: criteria provided, single submitter. Criteria: ACMG Guidelines, 2015. Collection method: clinical testing. Allele origin: germline.